The following is an entry in ClinVar:

NM_001082971.2(DDC):c.826G>A (p.Gly276Ser)

Gene: DDC (dopa decarboxylase; minus strand). Cytogenetic location: 7p12.2.
Variant type: single nucleotide variant.
Coding change: c.826G>A on transcript NM_001082971.2 (MANE Select); coding-DNA position 826, G replaced by A.
Protein change: p.Gly276Ser; replaces glycine 276 with serine.
Molecular consequence: missense variant.
Genome position (GRCh38, 1-based): chr7:50,499,198, C>T on the plus strand (G>A on the coding strand, the complement: DDC is on the minus strand). VCF-style: chr7-50499198-C-T. GRCh37 (hg19) VCF-style: chr7-50566896-C-T.
Other names: c.826G>A, p.Gly276Ser (NM_000790.4, NM_001242890.2); c.712G>A, p.Gly238Ser (NM_001242886.2); c.682G>A, p.Gly228Ser (NM_001242887.2); c.592G>A, p.Gly198Ser (NM_001242888.2); c.547G>A, p.Gly183Ser (NM_001242889.2); short protein forms G183S, G198S, G228S, G238S, G276S.
Identifiers: ClinVar variation 1003588 (VCV001003588.9), dbSNP rs2043193191, ClinGen allele CA367538302.

ClinVar aggregate classification (germline): Uncertain significance (1 of 4 stars; one submission).

Conditions:
Deficiency of aromatic-L-amino-acid decarboxylase. Also called: Aromatic amino acid decarboxylase deficiency; Aromatic L-Amino Acid Decarboxylase Deficiency; AADC DEFICIENCY; DDC DEFICIENCY; DOPA DECARBOXYLASE DEFICIENCY. Identifiers: Orphanet 35708, MedGen C1291564, MONDO:0012084, OMIM 608643.

Allele frequency attached by ClinVar (database versions not stated): gnomAD exomes below 0.00001.
gnomAD v4.1: 1 of 1,613,972 alleles (0.000062%); highest among the groups gnomAD compares: Non-Finnish European, 0.000085%; no homozygotes.

Submission:

Labcorp Genetics (formerly Invitae), Labcorp
Classification: Uncertain significance for Deficiency of aromatic-L-amino-acid decarboxylase. Last evaluated: 2023-07-03. Review status: criteria provided, single submitter. Criteria: Invitae Variant Classification Sherloc (09022015). Collection method: clinical testing. Allele origin: germline.
Comment: In summary, the available evidence is currently insufficient to determine the role of this variant in disease. Therefore, it has been classified as a Variant of Uncertain Significance. Advanced modeling of protein sequence and biophysical properties (such as structural, functional, and spatial information, amino acid conservation, physicochemical variation, residue mobility, and thermodynamic stability) performed at Invitae indicates that this missense variant is expected to disrupt DDC protein function. ClinVar contains an entry for this variant (Variation ID: 1003588). This variant has not been reported in the literature in individuals affected with DDC-related conditions. This variant is not present in population databases (gnomAD no frequency). This sequence change replaces glycine, which is neutral and non-polar, with serine, which is neutral and polar, at codon 276 of the DDC protein (p.Gly276Ser).